The following is an entry in ClinVar:

NM_003640.5(ELP1):c.1187G>C (p.Gly396Ala)

Gene: ELP1 (elongator acetyltransferase complex subunit 1; minus strand). Cytogenetic location: 9q31.3.
Variant type: single nucleotide variant.
Coding change: c.1187G>C on transcript NM_003640.5 (MANE Select); coding-DNA position 1187, G replaced by C.
Protein change: p.Gly396Ala; replaces glycine 396 with alanine.
Molecular consequence: missense variant.
Genome position (GRCh38, 1-based): chr9:108,912,266, C>G on the plus strand (G>C on the coding strand, the complement: ELP1 is on the minus strand). VCF-style: chr9-108912266-C-G. GRCh37 (hg19) VCF-style: chr9-111674546-C-G.
Other names: c.845G>C, p.Gly282Ala (NM_001318360.2); c.140G>C, p.Gly47Ala (NM_001330749.2); short protein forms G282A, G396A, G47A.
Identifiers: ClinVar variation 967535 (VCV000967535.8), dbSNP rs1414061926, ClinGen allele CA374429232.

ClinVar aggregate classification (germline): Uncertain significance. Review status: criteria provided, multiple submitters, no conflicts (2 of 4 stars). 2 submissions from 2 submitters: Uncertain significance (2). Last evaluated 2022-08-08.

Allele frequency attached by ClinVar (database versions not stated): gnomAD exomes below 0.00001.
gnomAD v4.1: 2 of 1,613,378 alleles (0.00012%); highest among the groups gnomAD compares: Admixed American, 0.0017%; no homozygotes.

Submissions (2):

Ambry Genetics
Classification: Uncertain significance. Last evaluated: 2022-08-08. Review status: criteria provided, single submitter. Criteria: Ambry Variant Classification Scheme 2023. Collection method: clinical testing. Allele origin: germline.
Comment: The p.G396A variant (also known as c.1187G>C), located in coding exon 10 of the IKBKAP gene, results from a G to C substitution at nucleotide position 1187. The glycine at codon 396 is replaced by alanine, an amino acid with similar properties. This amino acid position is conserved. In addition, the in silico prediction for this alteration is inconclusive. Since supporting evidence is limited at this time, the clinical significance of this alteration remains unclear.

Labcorp Genetics (formerly Invitae), Labcorp
Classification: Uncertain significance. Last evaluated: 2022-04-28. Review status: criteria provided, single submitter. Criteria: Invitae Variant Classification Sherloc (09022015). Collection method: clinical testing. Allele origin: germline.
Comment: This sequence change replaces glycine, which is neutral and non-polar, with alanine, which is neutral and non-polar, at codon 396 of the ELP1 protein (p.Gly396Ala). This variant is not present in population databases (gnomAD no frequency). This variant has not been reported in the literature in individuals affected with ELP1-related conditions. ClinVar contains an entry for this variant (Variation ID: 967535). Algorithms developed to predict the effect of missense changes on protein structure and function are either unavailable or do not agree on the potential impact of this missense change (SIFT: "Tolerated"; PolyPhen-2: "Probably Damaging"; Align-GVGD: "Class C0"). In summary, the available evidence is currently insufficient to determine the role of this variant in disease. Therefore, it has been classified as a Variant of Uncertain Significance.